The following is an entry in ClinVar:

NM_018180.3(DHX32):c.1645A>G (p.Ser549Gly)

Genes: BCCIP (BRCA2 and CDKN1A interacting protein; plus strand), DHX32 (DEAH-box helicase 32 (putative); minus strand). Cytogenetic location: 10q26.2.
Variant type: single nucleotide variant.
Coding change: c.1645A>G on transcript NM_018180.3 (MANE Select); coding-DNA position 1645, A replaced by G.
Protein change: p.Ser549Gly; replaces serine 549 with glycine.
Molecular consequence: missense variant. On other transcripts: intron variant (2).
Genome position (GRCh38, 1-based): chr10:125,840,895, T>C on the plus strand (A>G on the coding strand, the complement: DHX32 is on the minus strand). VCF-style: chr10-125840895-T-C. GRCh37 (hg19) VCF-style: chr10-127529464-T-C.
Other names: c.775-360T>C (NM_016567.4, NM_078469.3); short protein forms S549G.
Identifiers: ClinVar variation 2986277 (VCV002986277.4), dbSNP rs369765629, ClinGen allele CA215330800.

ClinVar aggregate classification (germline): Uncertain significance. Review status: criteria provided, multiple submitters, no conflicts (2 of 4 stars). 2 submissions from 2 submitters: Uncertain significance (2). Last evaluated 2024-10-17.

Allele frequency attached by ClinVar (database versions not stated): TOPMed 0.00002; gnomAD exomes 0.00005; ESP Exome Variant Server 0.00008; gnomAD 0.00001.
gnomAD v4.1: 66 of 1,609,824 alleles (0.0041%); highest among the groups gnomAD compares: Non-Finnish European, 0.0054%; no homozygotes.

Submissions (2):

Ambry Genetics
Classification: Uncertain significance. Last evaluated: 2024-10-17. Review status: criteria provided, single submitter. Criteria: Ambry Variant Classification Scheme 2023. Collection method: clinical testing. Allele origin: germline.

Labcorp Genetics (formerly Invitae), Labcorp
Classification: Uncertain significance. Last evaluated: 2023-12-19. Review status: criteria provided, single submitter. Criteria: Invitae Variant Classification Sherloc (09022015). Collection method: clinical testing. Allele origin: germline.
Comment: This sequence change replaces serine, which is neutral and polar, with glycine, which is neutral and non-polar, at codon 549 of the DHX32 protein (p.Ser549Gly). This variant is present in population databases (rs369765629, gnomAD 0.0009%). This variant has not been reported in the literature in individuals affected with DHX32-related conditions. An algorithm developed to predict the effect of missense changes on protein structure and function (PolyPhen-2) suggests that this variant is likely to be tolerated. In summary, the available evidence is currently insufficient to determine the role of this variant in disease. Therefore, it has been classified as a Variant of Uncertain Significance.